The following is an entry in ClinVar:

NM_001134407.3(GRIN2A):c.3711T>A (p.Asp1237Glu)

Gene: GRIN2A (glutamate ionotropic receptor NMDA type subunit 2A; minus strand). Cytogenetic location: 16p13.2.
Variant type: single nucleotide variant.
Coding change: c.3711T>A on transcript NM_001134407.3 (MANE Select); coding-DNA position 3711, T replaced by A.
Protein change: p.Asp1237Glu; replaces aspartic acid 1237 with glutamic acid.
Molecular consequence: missense variant.
Genome position (GRCh38, 1-based): chr16:9,763,833, A>T on the plus strand (T>A on the coding strand, the complement: GRIN2A is on the minus strand). VCF-style: chr16-9763833-A-T. GRCh37 (hg19) VCF-style: chr16-9857690-A-T.
Other names: c.3711T>A, p.Asp1237Glu (NM_000833.5, NM_001134408.2); short protein forms D1237E.
Identifiers: ClinVar variation 1043525 (VCV001043525.9), dbSNP rs1224957842, ClinGen allele CA394707026.

ClinVar aggregate classification (germline): Uncertain significance (1 of 4 stars; one submission).

Conditions:
Landau-Kleffner syndrome (FESD). Also called: APHASIA, ACQUIRED, WITH EPILEPSY; EPILEPSY, FOCAL, WITH SPEECH DISORDER AND WITH OR WITHOUT MENTAL RETARDATION. Identifiers: Orphanet 1945, Orphanet 725, Orphanet 98818, MedGen C0282512, MONDO:0009509, OMIM 245570.

Allele frequency attached by ClinVar (database versions not stated): gnomAD exomes below 0.00001.
gnomAD v4.1: 3 of 1,614,130 alleles (0.00019%); highest among the groups gnomAD compares: African/African-American, 0.0013%; no homozygotes.

Submission:

Labcorp Genetics (formerly Invitae), Labcorp
Classification: Uncertain significance for Landau-Kleffner syndrome. Last evaluated: 2020-08-02. Review status: criteria provided, single submitter. Criteria: Invitae Variant Classification Sherloc (09022015). Collection method: clinical testing. Allele origin: germline.
Comment: In summary, the available evidence is currently insufficient to determine the role of this variant in disease. Therefore, it has been classified as a Variant of Uncertain Significance. This sequence change replaces aspartic acid with glutamic acid at codon 1237 of the GRIN2A protein (p.Asp1237Glu). The aspartic acid residue is moderately conserved and there is a small physicochemical difference between aspartic acid and glutamic acid. This variant is not present in population databases (ExAC no frequency). This variant has not been reported in the literature in individuals with GRIN2A-related conditions. Advanced modeling of protein sequence and biophysical properties (such as structural, functional, and spatial information, amino acid conservation, physicochemical variation, residue mobility, and thermodynamic stability) performed at Invitae indicates that this missense variant is not expected to disrupt GRIN2A protein function.